The following is an entry in ClinVar:

NM_001164508.2(NEB):c.20056T>C (p.Tyr6686His)

Gene: NEB (nebulin; minus strand). Cytogenetic location: 2q23.3.
Variant type: single nucleotide variant.
Coding change: c.20056T>C on transcript NM_001164508.2 (MANE Select); coding-DNA position 20056, T replaced by C.
Protein change: p.Tyr6686His; replaces tyrosine 6686 with histidine.
Molecular consequence: missense variant.
Genome position (GRCh38, 1-based): chr2:151,548,409, A>G on the plus strand (T>C on the coding strand, the complement: NEB is on the minus strand). VCF-style: chr2-151548409-A-G. GRCh37 (hg19) VCF-style: chr2-152404923-A-G.
Other names: c.20056T>C, p.Tyr6686His (NM_001164507.2, NM_001271208.2); c.14953T>C, p.Tyr4985His (NM_004543.5); short protein forms Y4985H, Y6686H.
Identifiers: ClinVar variation 1392934 (VCV001392934.6), dbSNP rs2153624429, ClinGen allele CA348784559.

ClinVar aggregate classification (germline): Uncertain significance (1 of 4 stars; one submission).

Conditions:
Nemaline myopathy 2 (NEM2). Also called: Nemaline myopathy 2, autosomal recessive. Identifiers: MedGen C1850569, MONDO:0009725, OMIM 256030.

Submission:

Labcorp Genetics (formerly Invitae), Labcorp
Classification: Uncertain significance for Nemaline myopathy 2. Last evaluated: 2022-07-25. Review status: criteria provided, single submitter. Criteria: Invitae Variant Classification Sherloc (09022015). Collection method: clinical testing. Allele origin: germline.
Comment: In summary, the available evidence is currently insufficient to determine the role of this variant in disease. Therefore, it has been classified as a Variant of Uncertain Significance. Algorithms developed to predict the effect of missense changes on protein structure and function are either unavailable or do not agree on the potential impact of this missense change (SIFT: "Deleterious"; PolyPhen-2: "Not Available"; Align-GVGD: "Class C0"). ClinVar contains an entry for this variant (Variation ID: 1392934). This variant has not been reported in the literature in individuals affected with NEB-related conditions. This variant is not present in population databases (gnomAD no frequency). This sequence change replaces tyrosine, which is neutral and polar, with histidine, which is basic and polar, at codon 6686 of the NEB protein (p.Tyr6686His).